The following is an entry in ClinVar:

NM_001370259.2(MEN1):c.201del (p.Ala68fs)

Gene: MEN1 (menin 1; minus strand). Cytogenetic location: 11q13.1.
Variant type: Deletion.
Coding change: c.201del on transcript NM_001370259.2 (MANE Select); coding-DNA position 201, one base deleted (C; older notation c.201delC).
Protein change: p.Ala68fs; shifts the reading frame from alanine 68.
Molecular consequence: frameshift variant.
Genome position (GRCh38, 1-based): chr11:64,809,909, G deleted on the plus strand (C on the coding strand, the reverse complement: MEN1 is on the minus strand); the first of 4 consecutive G bases (chr11:64,809,909-64,809,912); deleting any one gives the same sequence. VCF-style (leftmost placement, unchanged base first): chr11-64809908-CG-C. GRCh37 (hg19) VCF-style: chr11-64577380-CG-C.
Other names: c.201del, p.Ala68fs (NM_000244.4, NM_001370251.2, NM_001370260.2 and 9 more transcripts); short protein forms A68fs.
Identifiers: ClinVar variation 1064409 (VCV001064409.4), dbSNP rs2136189816, ClinGen allele CA2499221171.
Genomic context (GRCh38, chr11:64,809,908, plus strand): 5'-CGGCGATGATAGACAGGTCGGCCACGGGAAAGTAGGTGAGGCCGCCAGGCGGGTCGGGGG[CG>C]GGGCTGGGCTGGAAGGTGAGCTCGGGAACGTTGGTAGGGATGACGCGGTTGACAGCCAGA-3'

ClinVar aggregate classification (germline): Pathogenic. Review status: criteria provided, single submitter (1 of 4 stars). 2 submissions from 2 submitters: Pathogenic (1). 1 of the submissions does not count toward it. Last evaluated 2025-05-21.

Conditions:
Multiple endocrine neoplasia, type 1 (MEN1). Also called: MEA I; MEN I; WERMER SYNDROME; Endocrine adenomatosis multiple; MEN 1. Identifiers: Orphanet 652, MedGen C0025267, MeSH D018761, MONDO:0007540, OMIM 131100.

Submissions (2):

Dasa
Classification: Pathogenic for Multiple endocrine neoplasia, type 1. Last evaluated: 2025-05-21. Review status: criteria provided, single submitter. Criteria: DASA Assertion Criteria. Collection method: clinical testing. Allele origin: germline. Observed: 1 variant allele.
Comment: NM_001370259.2(MEN1):c.201del (p.Ala68Profs51) introduces a frameshift resulting in a premature termination codon. Loss-of-function is an established mechanism of disease for this gene. This variant has been reported in individuals with multiple endocrine neoplasia type 1 (PMID: 35255927) and is present at low frequency in population datasets. Based on the available data, this variant is classified as Pathogenic.

Liaoning Provincial Key Laboratory of Endocrine Diseases, The First Hospital of China Medical University
Classification: Pathogenic for Multiple endocrine neoplasia, type 1. Review status: no assertion criteria provided. Collection method: clinical testing. Allele origin: germline. Affected: yes. Observed: 1 variant allele, 1 heterozygote. Not counted in ClinVar's aggregate classification.

Literature cited by the submitters: PubMed 35255927 (cited by Dasa).